The following is an entry in ClinVar:

NM_030780.5(SLC25A32):c.548A>G (p.Tyr183Cys)

Gene: SLC25A32 (solute carrier family 25 member 32; minus strand). Cytogenetic location: 8q22.3.
Variant type: single nucleotide variant.
Coding change: c.548A>G on transcript NM_030780.5 (MANE Select); coding-DNA position 548, A replaced by G.
Protein change: p.Tyr183Cys; replaces tyrosine 183 with cysteine.
Molecular consequence: missense variant. On other transcripts: non-coding transcript variant (2).
Genome position (GRCh38, 1-based): chr8:103,403,168, T>C on the plus strand (A>G on the coding strand, the complement: SLC25A32 is on the minus strand). VCF-style: chr8-103403168-T-C. GRCh37 (hg19) VCF-style: chr8-104415396-T-C.
Other names: short protein forms Y183C.
Identifiers: ClinVar variation 219326 (VCV000219326.7), dbSNP rs864622028, ClinGen allele CA350808.
Genomic context (GRCh38, chr8:103,403,168, plus strand): 5'-GAGCCAACGGAAATTCAAATTTTTCAGTTATTTAAAATATATTGATAATTTGTTACCTTA[T>C]ATAATCCACGCACACCTTCATACTTATATATTTTCACAAGTGTATCAAACATTCCTTTAT-3'
Protein context (NP_110407.2, residues 173-193): IYKYEGVRGL[Tyr183Cys]KGFVPGLFGT

ClinVar aggregate classification (germline): Uncertain significance. Review status: criteria provided, single submitter (1 of 4 stars). 2 submissions from 2 submitters: Uncertain significance (1). 1 of the submissions does not count toward it. Last evaluated 2022-03-07.

Conditions:
Prostate cancer. Also called: Malignant tumor of prostate. Identifiers: Orphanet 1331, MedGen C0376358, MONDO:0008315, HP:0012125.

Submissions (2):

Labcorp Genetics (formerly Invitae), Labcorp
Classification: Uncertain significance. Last evaluated: 2022-03-07. Review status: criteria provided, single submitter. Criteria: Invitae Variant Classification Sherloc (09022015). Collection method: clinical testing. Allele origin: germline.
Comment: This sequence change replaces tyrosine, which is neutral and polar, with cysteine, which is neutral and slightly polar, at codon 183 of the SLC25A32 protein (p.Tyr183Cys). In summary, the available evidence is currently insufficient to determine the role of this variant in disease. Therefore, it has been classified as a Variant of Uncertain Significance. Algorithms developed to predict the effect of sequence changes on RNA splicing suggest that this variant may create or strengthen a splice site. Algorithms developed to predict the effect of missense changes on protein structure and function (SIFT, PolyPhen-2, Align-GVGD) all suggest that this variant is likely to be disruptive. ClinVar contains an entry for this variant (Variation ID: 219326). This variant has not been reported in the literature in individuals affected with SLC25A32-related conditions. This variant is not present in population databases (gnomAD no frequency).

Prostate Cancer Research Center, Institute of Biosciences and Medical Technology, University of Tampere
Classification: Uncertain significance for Prostate cancer. Review status: no assertion criteria provided. Collection method: research. Allele origin: somatic. Affected: yes. Observed: 1 variant allele. Not counted in ClinVar's aggregate classification.